The following is an entry in ClinVar:

NM_007294.4(BRCA1):c.3378A>G (p.Pro1126=)

Genes: BRCA1 (BRCA1 DNA repair associated; minus strand), LOC126862571 (BRD4-independent group 4 enhancer GRCh37_chr17:41243136-41244335; plus strand). Cytogenetic location: 17q21.31.
Variant type: single nucleotide variant.
Coding change: c.3378A>G on transcript NM_007294.4 (MANE Select); coding-DNA position 3378, A replaced by G.
Protein change: p.Pro1126=; no amino-acid change (proline 1126 retained).
Molecular consequence: synonymous variant. On other transcripts: intron variant (137).
Genome position (GRCh38, 1-based): chr17:43,092,153, T>C on the plus strand (A>G on the coding strand, the complement: BRCA1 is on the minus strand). VCF-style: chr17-43092153-T-C. GRCh37 (hg19) VCF-style: chr17-41244170-T-C.
Other names: c.3165A>G, p.Pro1055= (NM_001407571.1, NM_001407853.1, NM_001407894.1 and 9 more transcripts); c.3378A>G, p.Pro1126= (NM_001407581.1, NM_001407582.1, NM_001407583.1 and 30 more transcripts); c.3375A>G, p.Pro1125= (NM_001407587.1, NM_001407590.1, NM_001407591.1 and 22 more transcripts); c.3369A>G, p.Pro1123= (NM_001407646.1, NM_001407647.1); c.3255A>G, p.Pro1085= (NM_001407648.1, NM_001407664.1, NM_001407665.1 and 19 more transcripts); c.3252A>G, p.Pro1084= (NM_001407649.1, NM_001407670.1, NM_001407671.1 and 11 more transcripts); c.3300A>G, p.Pro1100= (NM_001407653.1, NM_001407654.1, NM_001407655.1 and 4 more transcripts); c.3297A>G, p.Pro1099= (NM_001407659.1, NM_001407660.1, NM_001407661.1 and 1 more transcripts); and 41 more.
Identifiers: ClinVar variation 382315 (VCV000382315.17), dbSNP rs1057521325, ClinGen allele CA16607267.

ClinVar aggregate classification (germline): Likely benign. Review status: criteria provided, multiple submitters, no conflicts (2 of 4 stars). 4 submissions from 4 submitters: Likely benign (4). Last evaluated 2025-07-30.

Conditions:
Hereditary cancer-predisposing syndrome. Also called: Tumor predisposition; Hereditary neoplastic syndrome; Neoplastic Syndromes, Hereditary; Hereditary Cancer Syndrome. Identifiers: Orphanet 140162, MedGen C0027672, MeSH D009386, MONDO:0015356.
Hereditary breast ovarian cancer syndrome. Also called: Hereditary breast and/or ovarian cancer syndrome; Hereditary breast and ovarian cancer syndrome; Hereditary breast and ovarian cancer syndrome (HBOC); Hereditary breast and ovarian cancer; BRCA1- and BRCA2-Associated Hereditary Breast and Ovarian Cancer; Breast and ovarian cancer. Identifiers: Orphanet 145, MedGen C0677776, MeSH D061325, MONDO:0003582. Disease mechanism: loss of function.

Allele frequency attached by ClinVar (database versions not stated): gnomAD exomes below 0.00001; gnomAD 0.00001; TOPMed 0.00001.
gnomAD v4.1: 7 of 1,613,292 alleles (0.00043%); highest among the groups gnomAD compares: African/African-American, 0.008%; no homozygotes.

Submissions (4):

Labcorp Genetics (formerly Invitae), Labcorp
Classification: Likely benign for Hereditary breast ovarian cancer syndrome. Last evaluated: 2025-07-30. Review status: criteria provided, single submitter. Criteria: Invitae Variant Classification Sherloc (09022015). Collection method: clinical testing. Allele origin: germline.

Color Diagnostics, LLC DBA Color Health
Classification: Likely benign for Hereditary cancer-predisposing syndrome. Last evaluated: 2019-11-21. Review status: criteria provided, single submitter. Criteria: ACMG Guidelines, 2015. Collection method: clinical testing. Allele origin: germline.

Ambry Genetics
Classification: Likely benign for Hereditary cancer-predisposing syndrome. Last evaluated: 2019-02-20. Review status: criteria provided, single submitter. Criteria: Ambry Variant Classification Scheme 2023. Collection method: clinical testing. Allele origin: germline.

GeneDx
Classification: Likely benign. Last evaluated: 2018-01-31. Review status: criteria provided, single submitter. Criteria: GeneDx Variant Classification (06012015). Collection method: clinical testing. Allele origin: germline. Affected: yes.
Comment: This variant is considered likely benign or benign based on one or more of the following criteria: it is a conservative change, it occurs at a poorly conserved position in the protein, it is predicted to be benign by multiple in silico algorithms, and/or has population frequency not consistent with disease.